The following is an entry in ClinVar:

NM_206538.4(EMC10):c.114G>A (p.Gly38=)

Genes: EMC10 (ER membrane protein complex subunit 10; plus strand), GARIN5A (golgi associated RAB2 interactor 5A; minus strand). Cytogenetic location: 19q13.33.
Variant type: single nucleotide variant.
Coding change: c.114G>A on transcript NM_206538.4 (MANE Select); coding-DNA position 114, G replaced by A.
Protein change: p.Gly38=; no amino-acid change (glycine 38 retained).
Molecular consequence: synonymous variant. On other transcripts: 5 prime UTR variant (2).
Genome position (GRCh38, 1-based): chr19:50,476,658, G>A. VCF-style: chr19-50476658-G-A. GRCh37 (hg19) VCF-style: chr19-50979915-G-A.
Other names: c.-270C>T (NM_001308429.2, NM_138411.3); c.114G>A, p.Gly38= (NM_175063.6).
Identifiers: ClinVar variation 2383986 (VCV002383986.2), dbSNP rs1277348841, ClinGen allele CA508192804.
Genomic context (GRCh38, chr19:50,476,658, plus strand): 5'-GGTAGCAGCGCCCAGTCGAGCCCGGGGCAGCGGCTGCCGGGCCGGGACTGGTGCGCGAGG[G>A]GTGAGTGCTCTTTAGCTGTGCATAGCGGGCGCGGTCTACGGATGTCGCAGGTCTTGGGTC-3'
Protein context (NP_996261.1, residues 28-48): SGCRAGTGAR[Gly38=]AGAEGREGEA

ClinVar aggregate classification (germline): Uncertain significance (1 of 4 stars; one submission).

Conditions:
Inborn genetic diseases. Identifiers: MedGen C0950123, MeSH D030342.

gnomAD v4.1: 27 of 1,520,074 alleles (0.0018%); highest among the groups gnomAD compares: Admixed American, 0.0041%; no homozygotes.

Submission:

Ambry Genetics
Classification: Uncertain significance for Inborn genetic diseases. Last evaluated: 2022-08-09. Review status: criteria provided, single submitter. Criteria: Ambry Variant Classification Scheme 2023. Collection method: clinical testing. Allele origin: germline.
Comment: Occurs in the last base pair of the exon Based on insufficient or conflicting evidence, the clinical significance of this alteration remains unclear.